The following is an entry in ClinVar:

NM_000875.5(IGF1R):c.*5002T>C

Gene: IGF1R (insulin like growth factor 1 receptor; plus strand). Cytogenetic location: 15q26.3.
Variant type: single nucleotide variant.
Coding change: c.*5002T>C on transcript NM_000875.5 (MANE Select); 5002 bases downstream of the stop codon, T replaced by C.
Molecular consequence: 3 prime UTR variant.
Genome position (GRCh38, 1-based): chr15:98,962,444, T>C. VCF-style: chr15-98962444-T-C. GRCh37 (hg19) VCF-style: chr15-99505673-T-C.
Other names: c.*5002T>C (NM_001291858.2).
Identifiers: ClinVar variation 888422 (VCV000888422.4), dbSNP rs185728238, ClinGen allele CA275339854.

ClinVar aggregate classification (germline): Likely benign (1 of 4 stars; one submission).

Conditions:
Growth delay due to insulin-like growth factor I resistance. Also called: Somatomedin end-organ insensitivity to; Somatomedin-c resistance to; IGF-1 resistance; IGF-I RESISTANCE; Insulin-Like Growth Factor I Resistance. Identifiers: Orphanet 73273, MedGen C1849157, MONDO:0010038, OMIM 270450.

Allele frequency attached by ClinVar (database versions not stated): TOPMed 0.00256; 1000 Genomes Project 30x 0.00297; 1000 Genomes Project 0.00359; gnomAD exomes 0.00367.
gnomAD v4.1: 770 of 233,790 alleles (0.33%); highest among the groups gnomAD compares: Admixed American, 0.56%; 13 homozygotes.

Submission:

Illumina Laboratory Services, Illumina
Classification: Likely benign for Growth delay due to insulin-like growth factor I resistance. Last evaluated: 2018-01-13. Review status: criteria provided, single submitter. Criteria: ICSL Variant Classification Criteria 13 December 2019. Collection method: clinical testing. Allele origin: germline.
Comment: This variant was observed in the ICSL laboratory as part of a predisposition screen in an ostensibly healthy population. It had not been previously curated by ICSL or reported in the Human Gene Mutation Database (HGMD: prior to June 1st, 2018), and was therefore a candidate for classification through an automated scoring system. Utilizing variant allele frequency, disease prevalence and penetrance estimates, and inheritance mode, an automated score was calculated to assess if this variant is too frequent to cause the disease. Based on the score and internal cut-off values, a variant classified as likely benign is not then subjected to further curation. The score for this variant resulted in a classification of likely benign for this disease.